The following is an entry in ClinVar:

ClinVar aggregate classification (germline): Likely benign (1 of 4 stars; one submission).

Allele frequency attached by ClinVar (database versions not stated): TOPMed 0.00001; gnomAD exomes 0.00003; gnomAD 0.00004.
gnomAD v4.1: 56 of 1,604,988 alleles (0.0035%); highest among the groups gnomAD compares: African/African-American, 0.004%; no homozygotes.

Submission:

CeGaT Center for Human Genetics Tuebingen
Classification: Likely benign. Last evaluated: 2022-05-01. Review status: criteria provided, single submitter. Criteria: CeGaT Center For Human Genetics Tuebingen Variant Classification Criteria Version 2. Collection method: clinical testing. Allele origin: germline. Affected: yes. Observed: 1 variant allele.
Comment: RTN4RL1: BP4, BP7

NM_178568.4(RTN4RL1):c.834C>T (p.Ser278=)

Gene: RTN4RL1 (reticulon 4 receptor like 1; minus strand). Cytogenetic location: 17p13.3.
Variant type: single nucleotide variant.
Coding change: c.834C>T on transcript NM_178568.4 (MANE Select); coding-DNA position 834, C replaced by T.
Protein change: p.Ser278=; no amino-acid change (serine 278 retained).
Molecular consequence: synonymous variant.
Genome position (GRCh38, 1-based): chr17:1,936,988, G>A on the plus strand (C>T on the coding strand, the complement: RTN4RL1 is on the minus strand). VCF-style: chr17-1936988-G-A. GRCh37 (hg19) VCF-style: chr17-1840282-G-A.
Identifiers: ClinVar variation 2647213 (VCV002647213.24), dbSNP rs1375905488, ClinGen allele CA497396208.